The following is an entry in ClinVar:

ClinVar aggregate classification (germline): Conflicting classifications of pathogenicity. Review status: criteria provided, conflicting classifications (1 of 4 stars). 6 submissions from 6 submitters: Uncertain significance (1); Benign (1); Likely benign (3). 1 of the submissions does not count toward it. Last evaluated 2025-12-31.

Conditions:
Hemolytic anemia due to glutathione reductase deficiency (CNSHA10). Also called: ANEMIA, CONGENITAL, NONSPHEROCYTIC HEMOLYTIC, 10. Identifiers: Orphanet 90030, MedGen C5231513, MONDO:0019531, OMIM 618660.
GSR-related disorder. Also called: GSR-related condition.

Allele frequency attached by ClinVar (database versions not stated): ESP Exome Variant Server 0.00069; gnomAD 0.00069 and 0.00107; TOPMed 0.00079; gnomAD exomes 0.00111 and 0.00183; 1000 Genomes Project 30x 0.00187; ExAC 0.00190; 1000 Genomes Project 0.00200.
gnomAD v4.1: 1,807 of 1,611,908 alleles (0.11%); highest among the groups gnomAD compares: South Asian, 0.87%; 10 homozygotes.

Submissions (6):

Labcorp Genetics (formerly Invitae), Labcorp
Classification: Benign. Last evaluated: 2025-12-31. Review status: criteria provided, single submitter. Criteria: Invitae Variant Classification Sherloc (09022015). Collection method: clinical testing. Allele origin: germline.

Mayo Clinic Laboratories, Mayo Clinic
Classification: Likely benign. Last evaluated: 2025-10-27. Review status: criteria provided, single submitter. Criteria: ACMG Guidelines, 2015. Collection method: clinical testing. Allele origin: germline. Observed: 7 variant alleles.

Blueprint Genetics
Classification: Likely benign. Last evaluated: 2024-11-27. Review status: criteria provided, single submitter. Criteria: ACMG Guidelines, 2015. Collection method: clinical testing. Allele origin: germline.

ARUP Laboratories, Molecular Genetics and Genomics, ARUP Laboratories
Classification: Uncertain significance for Hemolytic anemia due to glutathione reductase deficiency. Last evaluated: 2024-04-05. Review status: criteria provided, single submitter. Criteria: ARUP Molecular Germline Variant Investigation Process 2024. Collection method: clinical testing. Allele origin: germline.

CeGaT Center for Human Genetics Tuebingen
Classification: Likely benign. Last evaluated: 2019-06-01. Review status: criteria provided, single submitter. Criteria: CeGaT Center For Human Genetics Tuebingen Variant Classification Criteria Version 2. Collection method: clinical testing. Allele origin: germline. Affected: yes. Observed: 1 variant allele.

PreventionGenetics, part of Exact Sciences
Classification: Likely benign for GSR-related condition. Last evaluated: 2019-06-27. Review status: no assertion criteria provided. Collection method: clinical testing. Allele origin: germline. Not counted in ClinVar's aggregate classification.
Comment: This variant is classified as likely benign based on ACMG/AMP sequence variant interpretation guidelines (Richards et al. 2015 PMID: 25741868, with internal and published modifications).

Literature cited by the submitters: PubMed 34985944 (cited by Mayo Clinic Laboratories, Mayo Clinic).

NM_000637.5(GSR):c.694G>A (p.Gly232Ser)

Gene: GSR (glutathione-disulfide reductase; minus strand). Cytogenetic location: 8p12.
Variant type: single nucleotide variant.
Coding change: c.694G>A on transcript NM_000637.5 (MANE Select); coding-DNA position 694, G replaced by A.
Protein change: p.Gly232Ser; replaces glycine 232 with serine.
Molecular consequence: missense variant.
Genome position (GRCh38, 1-based): chr8:30,700,082, C>T on the plus strand (G>A on the coding strand, the complement: GSR is on the minus strand). VCF-style: chr8-30700082-C-T. GRCh37 (hg19) VCF-style: chr8-30557599-C-T.
Other names: p.Gly232Ser; c.694G>A, p.Gly232Ser (NM_001195102.3, NM_001195103.3, NM_001195104.3); c.694G>A (NM_000637.3); short protein forms G232S.
Identifiers: ClinVar variation 810272 (VCV000810272.57), dbSNP rs8190976, ClinGen allele CA4701429.